The following is an entry in ClinVar:

ClinVar aggregate classification (germline): Uncertain significance (1 of 4 stars; one submission).

Submission:

Labcorp Genetics (formerly Invitae), Labcorp
Classification: Uncertain significance. Last evaluated: 2024-02-03. Review status: criteria provided, single submitter. Criteria: Invitae Variant Classification Sherloc (09022015). Collection method: clinical testing. Allele origin: germline.
Comment: This variant, c.1073_1075del, results in the deletion of 1 amino acid(s) of the RELA protein (p.Ile358del), but otherwise preserves the integrity of the reading frame. This variant is not present in population databases (gnomAD no frequency). This variant has not been reported in the literature in individuals affected with RELA-related conditions. Experimental studies and prediction algorithms are not available or were not evaluated, and the functional significance of this variant is currently unknown. In summary, the available evidence is currently insufficient to determine the role of this variant in disease. Therefore, it has been classified as a Variant of Uncertain Significance.

NM_021975.4(RELA):c.1073_1075del (p.Ile358del)

Gene: RELA (RELA proto-oncogene, NF-kB subunit; minus strand). Cytogenetic location: 11q13.1.
Variant type: Deletion.
Coding change: c.1073_1075del on transcript NM_021975.4 (MANE Select); coding-DNA positions 1073 to 1075, 3 bases deleted (TCA; older notation c.1073_1075delTCA).
Protein change: p.Ile358del; deletes isoleucine 358.
Molecular consequence: intron variant (on NM_001243984.2).
Genome position (GRCh38, 1-based): chr11:65,654,959-65,654,961, TGA deleted on the plus strand (TCA on the coding strand, the reverse complement: RELA is on the minus strand); deleting any 3 consecutive bases within chr11:65,654,959-65,654,963 gives the same sequence; the c. name uses the placement nearest the transcript's 3' end. VCF-style (leftmost placement, unchanged base first): chr11-65654958-TTGA-T. GRCh37 (hg19) VCF-style: chr11-65422429-TTGA-T.
Other names: c.860_862del, p.Ile287del (NM_001404659.1); c.755_757del, p.Ile252del (NM_001404660.1); c.692_694del, p.Ile231del (NM_001404661.1); c.980_982del, p.Ile327del (NM_001404662.1, NM_001404663.1); c.1034-168_1034-166del (NM_001243984.2); c.1046_1048del, p.Ile349del (NM_001404658.1); c.1064_1066del, p.Ile355del (NM_001145138.2); c.1073_1075del, p.Ile358del (NM_001243985.2); and 1 more; short protein forms I231del, I287del, I369del, I252del, I358del, I327del, I349del, I355del.
Identifiers: ClinVar variation 3698060 (VCV003698060.2).